The following is an entry in ClinVar:

NM_015512.5(DNAH1):c.9675G>T (p.Gln3225His)

Gene: DNAH1 (dynein axonemal heavy chain 1; plus strand). Cytogenetic location: 3p21.1.
Variant type: single nucleotide variant.
Coding change: c.9675G>T on transcript NM_015512.5 (MANE Select); coding-DNA position 9675, G replaced by T.
Protein change: p.Gln3225His; replaces glutamine 3225 with histidine.
Molecular consequence: missense variant.
Genome position (GRCh38, 1-based): chr3:52,390,988, G>T. VCF-style: chr3-52390988-G-T. GRCh37 (hg19) VCF-style: chr3-52425004-G-T.
Other names: short protein forms Q3225H.
Identifiers: ClinVar variation 1968522 (VCV001968522.5), dbSNP rs542213807, ClinGen allele CA74780522.

ClinVar aggregate classification (germline): Uncertain significance (1 of 4 stars; one submission).

Conditions:
Spermatogenic failure 18. Identifiers: MedGen C4539783, MONDO:0054615, OMIM 617576.
Ciliary dyskinesia, primary, 37 (CILD37). Also called: CILIARY DYSKINESIA, PRIMARY, 37, WITH OR WITHOUT SITUS INVERSUS. Identifiers: MedGen C4539798, MONDO:0033204, OMIM 617577.

Allele frequency attached by ClinVar (database versions not stated): gnomAD 0.00001; TOPMed 0.00001.
gnomAD v4.1: 11 of 1,553,350 alleles (0.00071%); highest among the groups gnomAD compares: Non-Finnish European, 0.00096%; no homozygotes.

Submission:

Labcorp Genetics (formerly Invitae), Labcorp
Classification: Uncertain significance for Ciliary dyskinesia, primary, 37; Spermatogenic failure 18. Last evaluated: 2022-09-07. Review status: criteria provided, single submitter. Criteria: Invitae Variant Classification Sherloc (09022015). Collection method: clinical testing. Allele origin: germline.
Comment: This sequence change replaces glutamine, which is neutral and polar, with histidine, which is basic and polar, at codon 3225 of the DNAH1 protein (p.Gln3225His). This variant is not present in population databases (gnomAD no frequency). In summary, the available evidence is currently insufficient to determine the role of this variant in disease. Therefore, it has been classified as a Variant of Uncertain Significance. Algorithms developed to predict the effect of missense changes on protein structure and function are either unavailable or do not agree on the potential impact of this missense change (SIFT: "Deleterious"; PolyPhen-2: "Benign"; Align-GVGD: "Class C0"). This variant has not been reported in the literature in individuals affected with DNAH1-related conditions.